The following is an entry in ClinVar:

NM_000202.8(IDS):c.1134_1152dup (p.Asp385delinsProLeuProArgProPheTer)

Genes: IDS (iduronate 2-sulfatase; minus strand), LOC106050102 (IDS recombination region; plus strand). Cytogenetic location: Xq28.
Variant type: Duplication.
Coding change: c.1134_1152dup on transcript NM_000202.8 (MANE Select); coding-DNA positions 1134 to 1152, 19 bases duplicated (CCCTTACCTCGACCCTTTT).
Protein change: p.Asp385delinsProLeuProArgProPheTer.
Molecular consequence: nonsense.
Genome position (GRCh38, 1-based): chrX:149,486,953-149,486,971, AAAAGGGTCGAGGTAAGGG duplicated on the plus strand (CCCTTACCTCGACCCTTTT on the coding strand, the reverse complement: IDS is on the minus strand); duplicating any 19 consecutive bases within chrX:149,486,953-149,486,976 gives the same sequence; the c. name uses the placement nearest the transcript's 3' end. VCF-style (leftmost placement, unchanged base first): chrX-149486952-C-CAAAAGGGTCGAGGTAAGGG. GRCh37 (hg19) VCF-style: chrX-148568483-C-CAAAAGGGTCGAGGTAAGGG.
Other names: c.864_882dup, p.Asp295delinsProLeuProArgProPheTer (NM_001166550.4).
Identifiers: ClinVar variation 3255970 (VCV003255970.2).

ClinVar aggregate classification (germline): Likely pathogenic (1 of 4 stars; one submission).

Conditions:
Mucopolysaccharidosis, MPS-II (MPS2). Also called: Hunter Syndrome; IDURONATE 2-SULFATASE DEFICIENCY; Mucopolysaccharidosis Type II; Mucopolysaccharidosis type 2; Attenuated MPS (subtype; formerly known as mild MPS II); Severe MPS II. Identifiers: Orphanet 580, Orphanet 79388, MedGen C0026705, MONDO:0010674, OMIM 309900.

Submission:

Laboratory of Diagnosis and Therapy of Lysosomal Disorders, University of Padova
Classification: Likely pathogenic for Mucopolysaccharidosis, MPS-II. Last evaluated: 2024-06-07. Review status: criteria provided, single submitter. Criteria: ACMG Guidelines, 2015. Collection method: literature only. Allele origin: germline. Affected: yes. Observed: 1 variant allele.
Comment: Null variant (PVS1_Strong), Absent from controls (or at low frequency) in gnomAD database (PM2_Moderate), Patient’s phenotype or family history highly specific for the disease (PP4_Moderate)

Classification method: ACMG Guidelines [PMID:25741868] with modifications

Literature cited by the submitters: PubMed 24125893.